The following is an entry in ClinVar:

ClinVar aggregate classification (germline): Uncertain significance. Review status: criteria provided, multiple submitters, no conflicts (2 of 4 stars). 2 submissions from 2 submitters: Uncertain significance (2). Last evaluated 2024-04-12.

Conditions:
Inborn genetic diseases. Identifiers: MedGen C0950123, MeSH D030342.

Allele frequency attached by ClinVar (database versions not stated): gnomAD exomes 0.00002 and 0.00009; gnomAD 0.00005; TOPMed 0.00007.
gnomAD v4.1: 159 of 1,613,564 alleles (0.0099%); highest among the groups gnomAD compares: Non-Finnish European, 0.012%; 1 homozygote.

Submissions (2):

Ambry Genetics
Classification: Uncertain significance for Inborn genetic diseases. Last evaluated: 2024-04-12. Review status: criteria provided, single submitter. Criteria: Ambry Variant Classification Scheme 2023. Collection method: clinical testing. Allele origin: germline.

Labcorp Genetics (formerly Invitae), Labcorp
Classification: Uncertain significance. Last evaluated: 2022-07-25. Review status: criteria provided, single submitter. Criteria: Invitae Variant Classification Sherloc (09022015). Collection method: clinical testing. Allele origin: germline.
Comment: This sequence change replaces glutamic acid, which is acidic and polar, with lysine, which is basic and polar, at codon 3396 of the PCLO protein (p.Glu3396Lys). This variant is present in population databases (no rsID available, gnomAD 0.004%). This variant has not been reported in the literature in individuals affected with PCLO-related conditions. ClinVar contains an entry for this variant (Variation ID: 1362603). Algorithms developed to predict the effect of missense changes on protein structure and function are either unavailable or do not agree on the potential impact of this missense change (SIFT: "Deleterious"; PolyPhen-2: "Not Available"; Align-GVGD: "Class C0"). In summary, the available evidence is currently insufficient to determine the role of this variant in disease. Therefore, it has been classified as a Variant of Uncertain Significance.

NM_033026.6(PCLO):c.10186G>A (p.Glu3396Lys)

Gene: PCLO (piccolo presynaptic cytomatrix protein; minus strand). Cytogenetic location: 7q21.11.
Variant type: single nucleotide variant.
Coding change: c.10186G>A on transcript NM_033026.6 (MANE Select); coding-DNA position 10186, G replaced by A.
Protein change: p.Glu3396Lys; replaces glutamic acid 3396 with lysine.
Molecular consequence: missense variant.
Genome position (GRCh38, 1-based): chr7:82,950,402, C>T on the plus strand (G>A on the coding strand, the complement: PCLO is on the minus strand). VCF-style: chr7-82950402-C-T. GRCh37 (hg19) VCF-style: chr7-82579718-C-T.
Other names: c.10186G>A, p.Glu3396Lys (NM_014510.3); c.10186G>A (NM_033026.5); short protein forms E3396K.
Identifiers: ClinVar variation 1362603 (VCV001362603.6), dbSNP rs1024248215, ClinGen allele CA161141560.
Genomic context (GRCh38, chr7:82,950,402, plus strand): 5'-CAGAACTTCTCTTTTTGGGTTGTTTTTCCTCTTTCACAACAACATCTGTTAGAGGTATTT[C>T]TGAAACAGTGCTCAGGATACCAGGTGGGGCAATGTACTGAGTAACACCATCAGACTGAAC-3'
Protein context (NP_149015.2, residues 3386-3406): APPGILSTVS[Glu3396Lys]IPLTDVVVKE